The following is an entry in ClinVar:

NC_000003.12:g.(?_175372620)_(176011214_?)del

Genes: NAALADL2 (N-acetylated alpha-linked acidic dipeptidase like 2; plus strand), NAALADL2-AS1 (NAALADL2 antisense RNA 1; minus strand), LOC132088905 (Neanderthal introgressed variant-containing enhancer experimental_66754; plus strand). Cytogenetic location: 3q26.31-26.32.
Variant type: Deletion.
Identifiers: ClinVar variation 3024089 (VCV003024089.2).

ClinVar aggregate classification (germline): Uncertain significance (1 of 4 stars; one submission).

Conditions:
Autism spectrum disorder. Also called: Autism spectrum disorders. Identifiers: MedGen C1510586, MeSH D000067877, MONDO:0005258.

Submission:

Genetics Department, Polish Mother's Memorial Hospital Research Institute
Classification: Uncertain significance. Last evaluated: 2020-02-26. Review status: criteria provided, single submitter. Criteria: ACMG Guidelines, 2015. Collection method: research. Allele origin: unknown. Affected: yes. Observed: 1 variant allele.
Comment: Till now patient's parents were not available for clinical testing.